The following is an entry in ClinVar:

NM_000400.4(ERCC2):c.982C>G (p.His328Asp)

Gene: ERCC2 (ERCC excision repair 2, TFIIH core complex helicase subunit; minus strand). Cytogenetic location: 19q13.32.
Variant type: single nucleotide variant.
Coding change: c.982C>G on transcript NM_000400.4 (MANE Select); coding-DNA position 982, C replaced by G.
Protein change: p.His328Asp; replaces histidine 328 with aspartic acid.
Molecular consequence: missense variant.
Genome position (GRCh38, 1-based): chr19:45,363,879, G>C on the plus strand (C>G on the coding strand, the complement: ERCC2 is on the minus strand). VCF-style: chr19-45363879-G-C. GRCh37 (hg19) VCF-style: chr19-45867137-G-C.
Other names: c.910C>G, p.His304Asp (NM_001130867.2); short protein forms H304D, H328D.
Identifiers: ClinVar variation 3231726 (VCV003231726.1), dbSNP rs1283691494, ClinGen allele CA406373019.

ClinVar aggregate classification (germline): Uncertain significance (1 of 4 stars; one submission).

Conditions:
Inborn genetic diseases. Identifiers: MedGen C0950123, MeSH D030342.

Submission:

Ambry Genetics
Classification: Uncertain significance for Inborn genetic diseases. Last evaluated: 2023-09-20. Review status: criteria provided, single submitter. Criteria: Ambry Variant Classification Scheme 2023. Collection method: clinical testing. Allele origin: germline.
Comment: The p.H328D variant (also known as c.982C>G), located in coding exon 11 of the ERCC2 gene, results from a C to G substitution at nucleotide position 982. The histidine at codon 328 is replaced by aspartic acid, an amino acid with similar properties. This amino acid position is conserved. In addition, this alteration is predicted to be deleterious by in silico analysis. Since supporting evidence is limited at this time, the clinical significance of this alteration remains unclear.